The following is an entry in ClinVar:

NM_001130144.3(LTBP3):c.3880C>T (p.His1294Tyr)

Gene: LTBP3 (latent transforming growth factor beta binding protein 3; minus strand). Cytogenetic location: 11q13.1.
Variant type: single nucleotide variant.
Coding change: c.3880C>T on transcript NM_001130144.3 (MANE Select); coding-DNA position 3880, C replaced by T.
Protein change: p.His1294Tyr; replaces histidine 1294 with tyrosine.
Molecular consequence: missense variant.
Genome position (GRCh38, 1-based): chr11:65,539,112, G>A on the plus strand (C>T on the coding strand, the complement: LTBP3 is on the minus strand). VCF-style: chr11-65539112-G-A. GRCh37 (hg19) VCF-style: chr11-65306583-G-A.
Other names: c.3388C>T, p.His1130Tyr (NM_001164266.1); c.3739C>T, p.His1247Tyr (NM_021070.4); short protein forms H1247Y, H1130Y, H1294Y.
Identifiers: ClinVar variation 3541066 (VCV003541066.1).
Genomic context (GRCh38, chr11:65,539,112, plus strand): 5'-GTCTGGGCCGAGGGCGGCGTCGGCGGCGTCAGCGGCGGCGCTGGGGAACGCAGGCCCCGT[G>A]CGGGCGGCTGCGCGCGAAGCCGGCTTTGCAGACGCAGCGGAAGGAGCCGCTGGTGTTCAC-3'
Protein context (NP_001123616.1, residues 1284-1303): CKAGFARSRP[His1294Tyr]GACVPQRRR

ClinVar aggregate classification (germline): Uncertain significance (1 of 4 stars; one submission).

Conditions:
Inborn genetic diseases. Identifiers: MedGen C0950123, MeSH D030342.

gnomAD v4.1: 3 of 1,470,346 alleles (0.0002%); highest among the groups gnomAD compares: Non-Finnish European, 0.00027%; no homozygotes.

Submission:

Ambry Genetics
Classification: Uncertain significance for Inborn genetic diseases. Last evaluated: 2024-07-01. Review status: criteria provided, single submitter. Criteria: Ambry Variant Classification Scheme 2023. Collection method: clinical testing. Allele origin: germline.
Comment: The p.H1294Y variant (also known as c.3880C>T), located in coding exon 28 of the LTBP3 gene, results from a C to T substitution at nucleotide position 3880. The histidine at codon 1294 is replaced by tyrosine, an amino acid with similar properties. This amino acid position is conserved. In addition, the in silico prediction for this alteration is inconclusive. Based on the available evidence, the clinical significance of this variant remains unclear.